The following is an entry in ClinVar:

NM_000075.4(CDK4):c.355-18C>T

Gene: CDK4 (cyclin dependent kinase 4; minus strand). Cytogenetic location: 12q14.1.
Variant type: single nucleotide variant.
Coding change: c.355-18C>T on transcript NM_000075.4 (MANE Select); 18 bases into the intron before coding-DNA position 355, C replaced by T.
Molecular consequence: intron variant.
Genome position (GRCh38, 1-based): chr12:57,751,108, G>A on the plus strand (C>T on the coding strand, the complement: CDK4 is on the minus strand). VCF-style: chr12-57751108-G-A. GRCh37 (hg19) VCF-style: chr12-58144891-G-A.
Identifiers: ClinVar variation 3378465 (VCV003378465.3).

ClinVar aggregate classification (germline): Likely benign. Review status: criteria provided, multiple submitters, no conflicts (2 of 4 stars). 2 submissions from 2 submitters: Likely benign (2). Last evaluated 2024-09-25.

Conditions:
Familial melanoma. Also called: Hereditary melanoma; Hereditary cutaneous melanoma. Identifiers: Orphanet 618, MedGen C1512419, MONDO:0018961.
Melanoma, cutaneous malignant, susceptibility to, 3. Also called: Cutaneous malignant melanoma 3. Identifiers: Orphanet 618, MedGen C1836892, MONDO:0012183, OMIM 609048.

Submissions (2):

Myriad Genetics, Inc.
Classification: Likely benign for Melanoma, cutaneous malignant, susceptibility to, 3. Last evaluated: 2024-09-25. Review status: criteria provided, single submitter. Criteria: Myriad Autosomal Dominant, Autosomal Recessive and X-Linked Classification Criteria (2023). Collection method: clinical testing. Allele origin: unknown.
Comment: This variant is considered likely benign. This variant is intronic and is not expected to impact mRNA splicing.

Labcorp Genetics (formerly Invitae), Labcorp
Classification: Likely benign for Familial melanoma. Last evaluated: 2024-03-25. Review status: criteria provided, single submitter. Criteria: Invitae Variant Classification Sherloc (09022015). Collection method: clinical testing. Allele origin: germline.